The following is an entry in ClinVar:

ClinVar aggregate classification (germline): Uncertain significance (1 of 4 stars; one submission).

gnomAD v4.1: 5 of 1,614,000 alleles (0.00031%); highest among the groups gnomAD compares: East Asian, 0.0022%; no homozygotes.

Submission:

Ambry Genetics
Classification: Uncertain significance. Last evaluated: 2026-08-29. Review status: criteria provided, single submitter. Criteria: Ambry Variant Classification Scheme 2023. Collection method: clinical testing. Allele origin: germline.
Comment: The p.Y390C variant (also known as c.1169A>G), located in coding exon 7 of the PKP4 gene, results from an A to G substitution at nucleotide position 1169. The tyrosine at codon 390 is replaced by cysteine, an amino acid with highly dissimilar properties. This amino acid position is conserved. In addition, this alteration is predicted to be deleterious by in silico analysis. Based on the available evidence, the clinical significance of this variant remains unclear.

NM_003628.6(PKP4):c.1169A>G (p.Tyr390Cys)

Gene: PKP4 (plakophilin 4; plus strand). Cytogenetic location: 2q24.1.
Variant type: single nucleotide variant.
Coding change: c.1169A>G on transcript NM_003628.6 (MANE Select); coding-DNA position 1169, A replaced by G.
Protein change: p.Tyr390Cys; replaces tyrosine 390 with cysteine.
Molecular consequence: missense variant.
Genome position (GRCh38, 1-based): chr2:158,631,768, A>G. VCF-style: chr2-158631768-A-G. GRCh37 (hg19) VCF-style: chr2-159488280-A-G.
Other names: c.1169A>G, p.Tyr390Cys (NM_001005476.4, NM_001304969.3, NM_001304971.2 and 6 more transcripts); c.143A>G, p.Tyr48Cys (NM_001304970.3); c.1163A>G, p.Tyr388Cys (NM_001377222.1, NM_001377223.1, NM_001377224.1); short protein forms Y390C, Y388C, Y48C.
Identifiers: ClinVar variation 5026806 (VCV005026806.1).